The following is an entry in ClinVar:

NM_001298.3(CNGA3):c.1280G>A (p.Arg427His)

Gene: CNGA3 (cyclic nucleotide gated channel subunit alpha 3; plus strand). Cytogenetic location: 2q11.2.
Variant type: single nucleotide variant.
Coding change: c.1280G>A on transcript NM_001298.3 (MANE Select); coding-DNA position 1280, G replaced by A.
Protein change: p.Arg427His; replaces arginine 427 with histidine.
Molecular consequence: missense variant.
Genome position (GRCh38, 1-based): chr2:98,396,450, G>A. VCF-style: chr2-98396450-G-A. GRCh37 (hg19) VCF-style: chr2-99012913-G-A.
Other names: c.1280G>A (NM_001298.2); c.1226G>A, p.Arg409His (NM_001079878.2); short protein forms R409H, R427H.
Identifiers: ClinVar variation 1477079 (VCV001477079.9), dbSNP rs771172885, ClinGen allele CA1793977.

ClinVar aggregate classification (germline): Conflicting classifications of pathogenicity. Review status: criteria provided, conflicting classifications (1 of 4 stars). 2 submissions from 2 submitters: Likely pathogenic (1); Uncertain significance (1). Last evaluated 2025-11-15.

Conditions:
CNGA3-related disorder. Also called: CNGA3-related condition.

gnomAD v4.1: 48 of 1,613,786 alleles (0.003%); highest among the groups gnomAD compares: Non-Finnish European, 0.0036%; no homozygotes.

Submissions (2):

Labcorp Genetics (formerly Invitae), Labcorp
Classification: Likely pathogenic. Last evaluated: 2025-11-15. Review status: criteria provided, single submitter. Criteria: Invitae Variant Classification Sherloc (09022015). Collection method: clinical testing. Allele origin: germline.
Comment: This sequence change replaces arginine, which is basic and polar, with histidine, which is basic and polar, at codon 427 of the CNGA3 protein (p.Arg427His). This variant is present in population databases (rs771172885, gnomAD 0.004%). This variant has not been reported in the literature in individuals affected with CNGA3-related conditions. ClinVar contains an entry for this variant (Variation ID: 1477079). Invitae Evidence Modeling of protein sequence and biophysical properties (such as structural, functional, and spatial information, amino acid conservation, physicochemical variation, residue mobility, and thermodynamic stability) has been performed for this missense variant. However, the output from this modeling did not meet the statistical confidence thresholds required to predict the impact of this variant on CNGA3 protein function. This variant disrupts the p.Arg427 amino acid residue in CNGA3. Other variant(s) that disrupt this residue have been determined to be pathogenic (PMID: 11536077, 18445228, 23972307, 28559085; internal data). This suggests that this residue is clinically significant, and that variants that disrupt this residue are likely to be disease-causing. In summary, the currently available evidence indicates that the variant is pathogenic, but additional data are needed to prove that conclusively. Therefore, this variant has been classified as Likely Pathogenic.

PreventionGenetics, part of Exact Sciences
Classification: Uncertain significance for CNGA3-related condition. Last evaluated: 2025-04-02. Review status: criteria provided, single submitter. Criteria: ACMG Guidelines, 2015. Collection method: clinical testing. Allele origin: germline.
Comment: The CNGA3 c.1280G>A variant is predicted to result in the amino acid substitution p.Arg427His. To our knowledge, this variant has not been reported in the literature. However, an alternate nucleotide change at the same amino acid position (p.Arg427Cys) has been reported in individuals with CNGA3-related achromatopsia (Wissinger et al. 2001. PubMed ID: 11536077; Fahim et al. 2013. PubMed ID: 23972307; Supplemental table 1, Stone et al. 2017. PubMed ID: 28559085). This variant is reported in 0.0033% of alleles in individuals of South Asian descent in gnomAD. At this time, the clinical significance of this variant is uncertain due to the absence of conclusive functional and genetic evidence.

Literature cited by the submitters: PubMed 11536077 (cited by Labcorp Genetics (formerly Invitae), Labcorp); PubMed 18445228 (cited by Labcorp Genetics (formerly Invitae), Labcorp); PubMed 23972307 (cited by Labcorp Genetics (formerly Invitae), Labcorp); PubMed 28559085 (cited by Labcorp Genetics (formerly Invitae), Labcorp).